The following is an entry in ClinVar:

NM_014846.4(WASHC5):c.880A>G (p.Met294Val)

Gene: WASHC5 (WASH complex subunit 5; minus strand). Cytogenetic location: 8q24.13.
Variant type: single nucleotide variant.
Coding change: c.880A>G on transcript NM_014846.4 (MANE Select); coding-DNA position 880, A replaced by G.
Protein change: p.Met294Val; replaces methionine 294 with valine.
Molecular consequence: missense variant.
Genome position (GRCh38, 1-based): chr8:125,075,096, T>C on the plus strand (A>G on the coding strand, the complement: WASHC5 is on the minus strand). VCF-style: chr8-125075096-T-C. GRCh37 (hg19) VCF-style: chr8-126087338-T-C.
Other names: c.436A>G, p.Met146Val (NM_001330609.2); short protein forms M146V, M294V.
Identifiers: ClinVar variation 2052419 (VCV002052419.5), dbSNP rs755946575, ClinGen allele CA4873982.

ClinVar aggregate classification (germline): Uncertain significance. Review status: criteria provided, multiple submitters, no conflicts (2 of 4 stars). 2 submissions from 2 submitters: Uncertain significance (2). Last evaluated 2024-12-17.

Conditions:
Ritscher-Schinzel syndrome. Also called: CRANIOCEREBELLOCARDIAC DYSPLASIA. Identifiers: Orphanet 7, MedGen C0796137, MONDO:0019078.
Hereditary spastic paraplegia 8 (SPG8). Also called: SPASTIC PARAPLEGIA 8, AUTOSOMAL DOMINANT. Identifiers: Orphanet 100989, MedGen C1863704, MONDO:0011339, OMIM 603563.

Allele frequency attached by ClinVar (database versions not stated): ExAC 0.00002; gnomAD 0.00003; TOPMed 0.00003; gnomAD exomes 0.00004.
gnomAD v4.1: 57 of 1,600,584 alleles (0.0036%); highest among the groups gnomAD compares: Non-Finnish European, 0.0047%; no homozygotes.

Submissions (2):

Labcorp Genetics (formerly Invitae), Labcorp
Classification: Uncertain significance for Ritscher-Schinzel syndrome; Hereditary spastic paraplegia 8. Last evaluated: 2024-12-17. Review status: criteria provided, single submitter. Criteria: Invitae Variant Classification Sherloc (09022015). Collection method: clinical testing. Allele origin: germline.
Comment: This sequence change replaces methionine, which is neutral and non-polar, with valine, which is neutral and non-polar, at codon 294 of the WASHC5 protein (p.Met294Val). This variant is present in population databases (rs755946575, gnomAD 0.007%). This variant has not been reported in the literature in individuals affected with WASHC5-related conditions. This missense change has been observed in at least one individual who was not affected with WASHC5-related conditions (internal data). ClinVar contains an entry for this variant (Variation ID: 2052419). Invitae Evidence Modeling of protein sequence and biophysical properties (such as structural, functional, and spatial information, amino acid conservation, physicochemical variation, residue mobility, and thermodynamic stability) indicates that this missense variant is expected to disrupt WASHC5 protein function with a positive predictive value of 80%. In summary, the available evidence is currently insufficient to determine the role of this variant in disease. Therefore, it has been classified as a Variant of Uncertain Significance.

Blueprint Genetics
Classification: Uncertain significance. Last evaluated: 2024-09-30. Review status: criteria provided, single submitter. Criteria: ACMG Guidelines, 2015. Collection method: clinical testing. Allele origin: germline.